The following is an entry in ClinVar:

ClinVar aggregate classification (germline): Uncertain significance (1 of 4 stars; one submission).

Conditions:
Primary ciliary dyskinesia. Also called: Ciliary dyskinesia. Identifiers: Orphanet 244, MedGen C0008780, MONDO:0016575, HP:0012265.

Submission:

Labcorp Genetics (formerly Invitae), Labcorp
Classification: Uncertain significance for Primary ciliary dyskinesia. Last evaluated: 2023-07-17. Review status: criteria provided, single submitter. Criteria: Invitae Variant Classification Sherloc (09022015). Collection method: clinical testing. Allele origin: germline.
Comment: In summary, the available evidence is currently insufficient to determine the role of this variant in disease. Therefore, it has been classified as a Variant of Uncertain Significance. Advanced modeling of protein sequence and biophysical properties (such as structural, functional, and spatial information, amino acid conservation, physicochemical variation, residue mobility, and thermodynamic stability) has been performed at Invitae for this missense variant, however the output from this modeling did not meet the statistical confidence thresholds required to predict the impact of this variant on DNAH8 protein function. ClinVar contains an entry for this variant (Variation ID: 2014235). This variant has not been reported in the literature in individuals affected with DNAH8-related conditions. This variant is not present in population databases (gnomAD no frequency). This sequence change replaces threonine, which is neutral and polar, with lysine, which is basic and polar, at codon 4323 of the DNAH8 protein (p.Thr4323Lys).

NM_001206927.2(DNAH8):c.12968C>A (p.Thr4323Lys)

Gene: DNAH8 (dynein axonemal heavy chain 8; plus strand). Cytogenetic location: 6p21.2.
Variant type: single nucleotide variant.
Coding change: c.12968C>A on transcript NM_001206927.2 (MANE Select); coding-DNA position 12968, C replaced by A.
Protein change: p.Thr4323Lys; replaces threonine 4323 with lysine.
Molecular consequence: missense variant.
Genome position (GRCh38, 1-based): chr6:38,984,222, C>A. VCF-style: chr6-38984222-C-A. GRCh37 (hg19) VCF-style: chr6-38951998-C-A.
Other names: c.12317C>A, p.Thr4106Lys (NM_001371.4); short protein forms T4106K, T4323K.
Identifiers: ClinVar variation 2014235 (VCV002014235.4), dbSNP rs1537232, ClinGen allele CA364009658.